The following is an entry in ClinVar:

ClinVar aggregate classification (germline): Uncertain significance (1 of 4 stars; one submission).

Allele frequency attached by ClinVar (database versions not stated): gnomAD exomes below 0.00001.
gnomAD v4.1: 6 of 1,613,982 alleles (0.00037%); highest among the groups gnomAD compares: Non-Finnish European, 0.00051%; no homozygotes.

Submission:

Labcorp Genetics (formerly Invitae), Labcorp
Classification: Uncertain significance. Last evaluated: 2022-10-19. Review status: criteria provided, single submitter. Criteria: Invitae Variant Classification Sherloc (09022015). Collection method: clinical testing. Allele origin: germline.
Comment: This variant is not present in population databases (gnomAD no frequency). This sequence change replaces tyrosine, which is neutral and polar, with histidine, which is basic and polar, at codon 902 of the FLNB protein (p.Tyr902His). This variant has not been reported in the literature in individuals affected with FLNB-related conditions. Advanced modeling of protein sequence and biophysical properties (such as structural, functional, and spatial information, amino acid conservation, physicochemical variation, residue mobility, and thermodynamic stability) performed at Invitae indicates that this missense variant is not expected to disrupt FLNB protein function. In summary, the available evidence is currently insufficient to determine the role of this variant in disease. Therefore, it has been classified as a Variant of Uncertain Significance.

NM_001457.4(FLNB):c.2704T>C (p.Tyr902His)

Gene: FLNB (filamin B; plus strand). Cytogenetic location: 3p14.3.
Variant type: single nucleotide variant.
Coding change: c.2704T>C on transcript NM_001457.4 (MANE Select); coding-DNA position 2704, T replaced by C.
Protein change: p.Tyr902His; replaces tyrosine 902 with histidine.
Molecular consequence: missense variant.
Genome position (GRCh38, 1-based): chr3:58,112,277, T>C. VCF-style: chr3-58112277-T-C. GRCh37 (hg19) VCF-style: chr3-58098004-T-C.
Other names: c.2704T>C, p.Tyr902His (NM_001164317.2, NM_001164318.2, NM_001164319.2); short protein forms Y902H.
Identifiers: ClinVar variation 1721835 (VCV001721835.5), dbSNP rs966216026, ClinGen allele CA75437531.